The following is an entry in ClinVar:

NC_000023.10:g.(?_53321057)_(53461292_?)dup

Genes: HSD17B10 (hydroxysteroid 17-beta dehydrogenase 10; minus strand), IQSEC2 (IQ motif and Sec7 domain ArfGEF 2; minus strand), RIBC1 (RIB43A domain with coiled-coils 1; plus strand), SMC1A (structural maintenance of chromosomes 1A; minus strand). Cytogenetic location: Xp11.22.
Variant type: Duplication.
Identifiers: ClinVar variation 1373548 (VCV001373548.41).

ClinVar aggregate classification (germline): Uncertain significance (1 of 4 stars; one submission).

Conditions:
Intellectual developmental disorder, X-linked 1. Also called: Atkin Flaitz Patil Smith syndrome; Intellectual disability, X-linked 1; MENTAL RETARDATION, X-LINKED 18; MENTAL RETARDATION, X-LINKED 78. Identifiers: Orphanet 777, MedGen C2931498, MONDO:0010656, OMIM 309530.

Submission:

Labcorp Genetics (formerly Invitae), Labcorp
Classification: Uncertain significance for Intellectual developmental disorder, X-linked 1. Last evaluated: 2023-06-23. Review status: criteria provided, single submitter. Criteria: Invitae Variant Classification Sherloc (09022015). Collection method: clinical testing. Allele origin: germline.
Comment: This variant results in a copy number gain of the genomic region encompassing exon(s) 1-2 of the IQSEC2 gene. This region includes the initiator codon of the gene. This copy number gain extends beyond the assayed region for this gene and therefore may encompass additional genes. As the precise location of this event is unknown, it may be in tandem or it may be located elsewhere in the genome. This variant has not been reported in the literature in individuals affected with IQSEC2-related conditions. Experimental studies and prediction algorithms are not available or were not evaluated, and the functional significance of this variant is currently unknown. In summary, the available evidence is currently insufficient to determine the role of this variant in disease. Therefore, it has been classified as a Variant of Uncertain Significance.